The following is an entry in ClinVar:

ClinVar aggregate classification (germline): Pathogenic (1 of 4 stars; one submission).

Submission:

Quest Diagnostics Nichols Institute San Juan Capistrano
Classification: Pathogenic. Last evaluated: 2023-10-15. Review status: criteria provided, single submitter. Criteria: ACMG/ClinGen CNV Guidelines, 2019. Collection method: clinical testing. Allele origin: unknown.
Comment: This loss involves multiple exons (NM_001135659.3) of the 5' portion of NRXN1 (OMIM 600565). Haploinsufficiency of NRXN1 has been associated with a wide spectrum of developmental and neuropsychiatric disorders (CCID:007578; Castronovo 2020, Cosemans 2020, Fuccillo 2021, Lowther 2017, Sahoo 2011), with reduced penetrance and variable expressivity (Al Shehhi 2019). Thus, this copy number variant is classified as pathogenic. References: Al Shehhi et al. Eur J Med Genet 2019;62(3):204-209. PMID: 30031152; Castronovo et al. Clin Genet. 2020 97:125–137. PMID: 30873608; Cosemans et al. J Med Genet 2020;57(5):347-355. PMID: 31932357; Fuccillo et al., Curr Opin Genet Dev. 2021 Jun;68:64-70. PMID: 33756113; Lowther et al. Genet Med. 2017;19(1):53-61. PMID: 27195815; Sahoo et al., Genet Med. 2011 Oct;13(10):868-80. PMID: 21792059

GRCh37/hg19 2p16.3(chr2:50932821-51289587)x1

Gene: NRXN1 (neurexin 1; minus strand). Cytogenetic location: 2p16.3.
Variant type: copy number loss.
Change: copy number 1 (one copy instead of two) of chr2:50,932,821-51,289,587 (356.8 kb, GRCh37 coordinates, 1-based), cytogenetic band 2p16.3.
Identifiers: ClinVar variation 3391874 (VCV003391874.1).